The following is an entry in ClinVar:

NM_002528.7(NTHL1):c.718A>G (p.Arg240Gly)

Gene: NTHL1 (nth like DNA glycosylase 1; minus strand). Cytogenetic location: 16p13.3.
Variant type: single nucleotide variant.
Coding change: c.718A>G on transcript NM_002528.7 (MANE Select); coding-DNA position 718, A replaced by G.
Protein change: p.Arg240Gly; replaces arginine 240 with glycine.
Molecular consequence: missense variant.
Genome position (GRCh38, 1-based): chr16:2,040,206, T>C on the plus strand (A>G on the coding strand, the complement: NTHL1 is on the minus strand). VCF-style: chr16-2040206-T-C. GRCh37 (hg19) VCF-style: chr16-2090207-T-C.
Other names: c.742A>G (NM_002528.5); c.718A>G, p.Arg240Gly (LRG_1366t1); c.547A>G, p.Arg183Gly (NM_001318193.2); c.388A>G, p.Arg130Gly (NM_001318194.2); short protein forms R130G, R183G, R240G.
Identifiers: ClinVar variation 649826 (VCV000649826.8), dbSNP rs1596216455, ClinGen allele CA394289196.
Genomic context (GRCh38, chr16:2,040,206, plus strand): 5'-CCTCCAGGGCGGCGCGGGTCTCCTCTGGGGACTTGGTTGCCTTCTTGGTCCACCTCAGCC[T>C]GTTGGCGATTCTGTGCACATGCGTGTCCACTGCTGCTGGGAGGCCAAGCGGGGTGAACAG-3'
Protein context (NP_002519.2, residues 230-250): VDTHVHRIAN[Arg240Gly]LRWTKKATKS

ClinVar aggregate classification (germline): Uncertain significance. Review status: criteria provided, multiple submitters, no conflicts (2 of 4 stars). 2 submissions from 2 submitters: Uncertain significance (2). Last evaluated 2025-03-04.

Conditions:
Hereditary cancer-predisposing syndrome. Also called: Neoplastic Syndromes, Hereditary; Tumor predisposition; Hereditary Cancer Syndrome; Hereditary neoplastic syndrome. Identifiers: Orphanet 140162, MedGen C0027672, MeSH D009386, MONDO:0015356.

Allele frequency attached by ClinVar (database versions not stated): gnomAD exomes below 0.00001.
gnomAD v4.1: 1 of 1,613,890 alleles (0.000062%); highest among the groups gnomAD compares: Admixed American, 0.0017%; no homozygotes.

Submissions (2):

Ambry Genetics
Classification: Uncertain significance for Hereditary cancer-predisposing syndrome. Last evaluated: 2025-03-04. Review status: criteria provided, single submitter. Criteria: Ambry Variant Classification Scheme 2023. Collection method: clinical testing. Allele origin: germline.
Comment: The p.R248G variant (also known as c.742A>G), located in coding exon 5 of the NTHL1 gene, results from an A to G substitution at nucleotide position 742. The arginine at codon 248 is replaced by glycine, an amino acid with dissimilar properties. This amino acid position is conserved. In addition, this alteration is predicted to be deleterious by in silico analysis. Based on the available evidence, the clinical significance of this variant remains unclear.

Labcorp Genetics (formerly Invitae), Labcorp
Classification: Uncertain significance. Last evaluated: 2020-01-21. Review status: criteria provided, single submitter. Criteria: Invitae Variant Classification Sherloc (09022015). Collection method: clinical testing. Allele origin: germline.
Comment: In summary, the available evidence is currently insufficient to determine the role of this variant in disease. Therefore, it has been classified as a Variant of Uncertain Significance. Algorithms developed to predict the effect of missense changes on protein structure and function are either unavailable or do not agree on the potential impact of this missense change (SIFT: "Deleterious"; PolyPhen-2: "Probably Damaging"; Align-GVGD: "Class 0"). This variant has not been reported in the literature in individuals with NTHL1-related disease. This variant is not present in population databases (ExAC no frequency). This sequence change replaces arginine with glycine at codon 248 of the NTHL1 protein (p.Arg248Gly). The arginine residue is highly conserved and there is a moderate physicochemical difference between arginine and glycine.